The following is an entry in ClinVar:

ClinVar aggregate classification (germline): Uncertain significance. Review status: criteria provided, multiple submitters, no conflicts (2 of 4 stars). 2 submissions from 2 submitters: Uncertain significance (2). Last evaluated 2025-11-09.

Conditions:
Pitt-Hopkins-like syndrome 2 (PTHSL2). Identifiers: Orphanet 221150, Orphanet 600663, MedGen C3280479, MONDO:0013690, OMIM 614325.

Allele frequency attached by ClinVar (database versions not stated): gnomAD exomes below 0.00001.
gnomAD v4.1: 2 of 1,602,016 alleles (0.00012%); highest among the groups gnomAD compares: African/African-American, 0.0027%; no homozygotes.

Submissions (2):

Labcorp Genetics (formerly Invitae), Labcorp
Classification: Uncertain significance for Pitt-Hopkins-like syndrome 2. Last evaluated: 2025-11-09. Review status: criteria provided, single submitter. Criteria: Invitae Variant Classification Sherloc (09022015). Collection method: clinical testing. Allele origin: germline.
Comment: This sequence change replaces threonine, which is neutral and polar, with alanine, which is neutral and non-polar, at codon 102 of the NRXN1 protein (p.Thr102Ala). This variant is not present in population databases (gnomAD no frequency). This variant has not been reported in the literature in individuals affected with NRXN1-related conditions. ClinVar contains an entry for this variant (Variation ID: 1318649). An algorithm developed to predict the effect of missense changes on protein structure and function (PolyPhen-2) suggests that this variant is likely to be tolerated. In summary, the available evidence is currently insufficient to determine the role of this variant in disease. Therefore, it has been classified as a Variant of Uncertain Significance.

GeneDx
Classification: Uncertain significance. Last evaluated: 2023-06-05. Review status: criteria provided, single submitter. Criteria: GeneDx Variant Classification Process June 2021. Collection method: clinical testing. Allele origin: germline. Affected: yes.
Comment: Not observed at significant frequency in large population cohorts (gnomAD); In silico analysis supports that this missense variant has a deleterious effect on protein structure/function; Has not been previously published as pathogenic or benign to our knowledge

NM_001330078.2(NRXN1):c.304A>G (p.Thr102Ala)

Gene: NRXN1 (neurexin 1; minus strand). Cytogenetic location: 2p16.3.
Variant type: single nucleotide variant.
Coding change: c.304A>G on transcript NM_001330078.2 (MANE Select); coding-DNA position 304, A replaced by G.
Protein change: p.Thr102Ala; replaces threonine 102 with alanine.
Molecular consequence: missense variant.
Genome position (GRCh38, 1-based): chr2:51,027,970, T>C on the plus strand (A>G on the coding strand, the complement: NRXN1 is on the minus strand). VCF-style: chr2-51027970-T-C. GRCh37 (hg19) VCF-style: chr2-51255108-T-C.
Other names: c.304A>G, p.Thr102Ala (NM_001330085.2, NM_001330086.2, NM_001330087.2 and 15 more transcripts); short protein forms T102A.
Identifiers: ClinVar variation 1318649 (VCV001318649.4), dbSNP rs2105332077, ClinGen allele CA346824271.